The following is an entry in ClinVar:

NM_003079.5(SMARCE1):c.1090C>G (p.Pro364Ala)

Gene: SMARCE1 (SWI/SNF related BAF chromatin remodeling complex subunit E1; minus strand). Cytogenetic location: 17q21.2.
Variant type: single nucleotide variant.
Coding change: c.1090C>G on transcript NM_003079.5 (MANE Select); coding-DNA position 1090, C replaced by G.
Protein change: p.Pro364Ala; replaces proline 364 with alanine.
Molecular consequence: missense variant.
Genome position (GRCh38, 1-based): chr17:40,628,931, G>C on the plus strand (C>G on the coding strand, the complement: SMARCE1 is on the minus strand). VCF-style: chr17-40628931-G-C. GRCh37 (hg19) VCF-style: chr17-38785183-G-C.
Other names: c.1090C>G (NM_003079.4); short protein forms P364A.
Identifiers: ClinVar variation 1394497 (VCV001394497.7), dbSNP rs1205865722, ClinGen allele CA399361484.
Genomic context (GRCh38, chr17:40,628,931, plus strand): 5'-CACTGGTTCCTTCCTCTGCCATACTGTCGACCCCCTCCTGCCCACTCTCCTTGTCCTCAG[G>C]AGTAGACGTGCCTTCTTCACCATTCTGTTGGCTCTCTGTTGTTTCTTCAAGGTGTGTCTC-3'
Protein context (NP_003070.3, residues 354-374): QQNGEEGTST[Pro364Ala]EDKESGQEGV

ClinVar aggregate classification (germline): Uncertain significance. Review status: criteria provided, multiple submitters, no conflicts (2 of 4 stars). 2 submissions from 2 submitters: Uncertain significance (2). Last evaluated 2024-05-16.

Conditions:
Hereditary cancer-predisposing syndrome. Also called: Neoplastic Syndromes, Hereditary; Hereditary neoplastic syndrome; Tumor predisposition; Hereditary Cancer Syndrome. Identifiers: Orphanet 140162, MedGen C0027672, MeSH D009386, MONDO:0015356.
Familial meningioma. Also called: Meningioma, familial, susceptibility to. Identifiers: Orphanet 263662, MedGen C3551915, MONDO:0011789, OMIM 607174.

Submissions (2):

Ambry Genetics
Classification: Uncertain significance for Hereditary cancer-predisposing syndrome. Last evaluated: 2024-05-16. Review status: criteria provided, single submitter. Criteria: Ambry Variant Classification Scheme 2023. Collection method: clinical testing. Allele origin: germline.
Comment: The p.P364A variant (also known as c.1090C>G), located in coding exon 10 of the SMARCE1 gene, results from a C to G substitution at nucleotide position 1090. The proline at codon 364 is replaced by alanine, an amino acid with highly similar properties. This amino acid position is conserved. In addition, this alteration is predicted to be tolerated by in silico analysis. Based on the available evidence, the clinical significance of this variant remains unclear.

Labcorp Genetics (formerly Invitae), Labcorp
Classification: Uncertain significance for Familial meningioma. Last evaluated: 2021-09-15. Review status: criteria provided, single submitter. Criteria: Invitae Variant Classification Sherloc (09022015). Collection method: clinical testing. Allele origin: germline.
Comment: This variant is not present in population databases (ExAC no frequency). This sequence change replaces proline with alanine at codon 364 of the SMARCE1 protein (p.Pro364Ala). The proline residue is highly conserved and there is a small physicochemical difference between proline and alanine. This variant has not been reported in the literature in individuals affected with SMARCE1-related conditions. In summary, the available evidence is currently insufficient to determine the role of this variant in disease. Therefore, it has been classified as a Variant of Uncertain Significance. Algorithms developed to predict the effect of missense changes on protein structure and function (SIFT, PolyPhen-2, Align-GVGD) all suggest that this variant is likely to be tolerated.